The following is an entry in ClinVar:

ClinVar aggregate classification (germline): Likely benign (1 of 4 stars; one submission).

Allele frequency attached by ClinVar (database versions not stated): gnomAD 0.00005.

Submission:

CeGaT Center for Human Genetics Tuebingen
Classification: Likely benign. Last evaluated: 2023-07-01. Review status: criteria provided, single submitter. Criteria: CeGaT Center For Human Genetics Tuebingen Variant Classification Criteria Version 2. Collection method: clinical testing. Allele origin: germline. Affected: yes. Observed: 1 variant allele.
Comment: MYORG: BP4, BP7

NM_020702.5(MYORG):c.2034C>G (p.Pro678=)

Gene: MYORG (myogenesis regulating glycosidase; minus strand). Cytogenetic location: 9p13.3.
Variant type: single nucleotide variant.
Coding change: c.2034C>G on transcript NM_020702.5 (MANE Select); coding-DNA position 2034, C replaced by G.
Protein change: p.Pro678=; no amino-acid change (proline 678 retained).
Molecular consequence: synonymous variant.
Genome position (GRCh38, 1-based): chr9:34,370,910, G>C on the plus strand (C>G on the coding strand, the complement: MYORG is on the minus strand). VCF-style: chr9-34370910-G-C. GRCh37 (hg19) VCF-style: chr9-34370908-G-C.
Identifiers: ClinVar variation 2659156 (VCV002659156.24), dbSNP rs375647594, ClinGen allele CA5032780.